The following is an entry in ClinVar:

ClinVar aggregate classification (germline): Uncertain significance (1 of 4 stars; one submission).

Allele frequency attached by ClinVar (database versions not stated): gnomAD exomes below 0.00001.
gnomAD v4.1: 2 of 1,613,368 alleles (0.00012%); highest among the groups gnomAD compares: South Asian, 0.0022%; no homozygotes.

Submission:

Labcorp Genetics (formerly Invitae), Labcorp
Classification: Uncertain significance. Last evaluated: 2023-10-05. Review status: criteria provided, single submitter. Criteria: Invitae Variant Classification Sherloc (09022015). Collection method: clinical testing. Allele origin: germline.
Comment: This sequence change replaces cysteine, which is neutral and slightly polar, with phenylalanine, which is neutral and non-polar, at codon 726 of the SCN3A protein (p.Cys726Phe). This variant is not present in population databases (gnomAD no frequency). This variant has not been reported in the literature in individuals affected with SCN3A-related conditions. Advanced modeling of protein sequence and biophysical properties (such as structural, functional, and spatial information, amino acid conservation, physicochemical variation, residue mobility, and thermodynamic stability) has been performed at Invitae for this missense variant, however the output from this modeling did not meet the statistical confidence thresholds required to predict the impact of this variant on SCN3A protein function. In summary, the available evidence is currently insufficient to determine the role of this variant in disease. Therefore, it has been classified as a Variant of Uncertain Significance.

NM_006922.4(SCN3A):c.2177G>T (p.Cys726Phe)

Gene: SCN3A (sodium voltage-gated channel alpha subunit 3; minus strand). Cytogenetic location: 2q24.3.
Variant type: single nucleotide variant.
Coding change: c.2177G>T on transcript NM_006922.4 (MANE Select); coding-DNA position 2177, G replaced by T.
Protein change: p.Cys726Phe; replaces cysteine 726 with phenylalanine.
Molecular consequence: missense variant.
Genome position (GRCh38, 1-based): chr2:165,138,093, C>A on the plus strand (G>T on the coding strand, the complement: SCN3A is on the minus strand). VCF-style: chr2-165138093-C-A. GRCh37 (hg19) VCF-style: chr2-165994603-C-A.
Other names: c.2030G>T, p.Cys677Phe (NM_001081676.2, NM_001081677.2); short protein forms C677F, C726F.
Identifiers: ClinVar variation 2762786 (VCV002762786.3), dbSNP rs2468304373, ClinGen allele CA349045427.
Genomic context (GRCh38, chr2:165,138,093, plus strand): 5'-CATGCATCACAGCAGTCCCAGATCAAGAACACATTGGCAAATCTATACCAGCATGGCGGA[C>A]ATTTCTGTCTAGATTCTTCAAGTTCTGGAGGGACAATAACAAGGAAGAGTAGTAAATAAC-3'
Protein context (NP_008853.3, residues 716-736): MEELEESRQK[Cys726Phe]PPCWYRFANV